The following is an entry in ClinVar:

NM_016156.6(MTMR2):c.1101G>C (p.Lys367Asn)

Gene: MTMR2 (myotubularin related protein 2; minus strand). Cytogenetic location: 11q21.
Variant type: single nucleotide variant.
Coding change: c.1101G>C on transcript NM_016156.6 (MANE Select); coding-DNA position 1101, G replaced by C.
Protein change: p.Lys367Asn; replaces lysine 367 with asparagine.
Molecular consequence: missense variant.
Genome position (GRCh38, 1-based): chr11:95,847,792, C>G on the plus strand (G>C on the coding strand, the complement: MTMR2 is on the minus strand). VCF-style: chr11-95847792-C-G. GRCh37 (hg19) VCF-style: chr11-95580956-C-G.
Other names: c.885G>C, p.Lys295Asn (NM_001243571.2, NM_201278.3, NM_201281.3); short protein forms K295N, K367N.
Identifiers: ClinVar variation 652088 (VCV000652088.9), dbSNP rs747178197, ClinGen allele CA6240102.

ClinVar aggregate classification (germline): Uncertain significance. Review status: criteria provided, multiple submitters, no conflicts (2 of 4 stars). 2 submissions from 2 submitters: Uncertain significance (2). Last evaluated 2024-08-13.

Conditions:
Charcot-Marie-Tooth disease type 4. Also called: Charcot-Marie-Tooth, Type 4; Charcot-Marie-Tooth disease, type IV. Identifiers: Orphanet 64749, MedGen C4082197, MONDO:0018995.

Allele frequency attached by ClinVar (database versions not stated): gnomAD exomes 0.00001 and 0.00002; ExAC 0.00002; TOPMed 0.00002.
gnomAD v4.1: 5 of 1,613,686 alleles (0.00031%); highest among the groups gnomAD compares: Admixed American, 0.0083%; no homozygotes.

Submissions (2):

Athena Diagnostics
Classification: Uncertain significance. Last evaluated: 2024-08-13. Review status: criteria provided, single submitter. Criteria: Athena Diagnostics Criteria. Collection method: clinical testing. Allele origin: unknown.
Comment: Available data are insufficient to determine the clinical significance of the variant at this time. The frequency of this variant in the general population is uninformative in assessment of its pathogenicity. Polyphen and MutationTaster predict this amino acid change may be damaging to the protein.

Labcorp Genetics (formerly Invitae), Labcorp
Classification: Uncertain significance for Charcot-Marie-Tooth disease type 4. Last evaluated: 2024-01-08. Review status: criteria provided, single submitter. Criteria: Invitae Variant Classification Sherloc (09022015). Collection method: clinical testing. Allele origin: germline.
Comment: This sequence change replaces lysine, which is basic and polar, with asparagine, which is neutral and polar, at codon 367 of the MTMR2 protein (p.Lys367Asn). This variant is present in population databases (rs747178197, gnomAD 0.01%). This variant has not been reported in the literature in individuals affected with MTMR2-related conditions. ClinVar contains an entry for this variant (Variation ID: 652088). Advanced modeling of protein sequence and biophysical properties (such as structural, functional, and spatial information, amino acid conservation, physicochemical variation, residue mobility, and thermodynamic stability) performed at Invitae indicates that this missense variant is not expected to disrupt MTMR2 protein function with a negative predictive value of 80%. In summary, the available evidence is currently insufficient to determine the role of this variant in disease. Therefore, it has been classified as a Variant of Uncertain Significance.